The following is an entry in ClinVar:

NM_004984.4(KIF5A):c.36+5C>T

Gene: KIF5A (kinesin family member 5A; plus strand). Cytogenetic location: 12q13.3.
Variant type: single nucleotide variant.
Coding change: c.36+5C>T on transcript NM_004984.4 (MANE Select); 5 bases into the intron after coding-DNA position 36, C replaced by T.
Molecular consequence: intron variant.
Genome position (GRCh38, 1-based): chr12:57,583,220, C>T. VCF-style: chr12-57583220-C-T. GRCh37 (hg19) VCF-style: chr12-57977003-C-T.
Other names: c.36+5C>T (NM_001354705.2).
Identifiers: ClinVar variation 309953 (VCV000309953.16), dbSNP rs775249, ClinGen allele CA6653322.
Genomic context (GRCh38, chr12:57,583,220, plus strand): 5'-AAGAGACAGCAGCCAGCTAATCTCCCACACCCACGGCTGCATACCTGCACTTTCAGGTAG[C>T]GTCAGGCTGCTTCCTCGGACCAGCCTCAGGTTGCTTCCCTTCTTGCTGACAGCCTCTTTG-3'

ClinVar aggregate classification (germline): Benign. Review status: criteria provided, multiple submitters, no conflicts (2 of 4 stars). 5 submissions from 5 submitters: Benign (5). Last evaluated 2026-01-12.

Conditions:
Hereditary spastic paraplegia 10 (SPG10). Also called: SPASTIC PARAPLEGIA 10, AUTOSOMAL DOMINANT; SPASTIC PARAPLEGIA 10 WITH OR WITHOUT PERIPHERAL NEUROPATHY; SPASTIC PARAPLEGIA 10 WITH PERIPHERAL NEUROPATHY. Identifiers: Orphanet 100991, MedGen C1858712, MONDO:0011408, OMIM 604187.
Spastic paraplegia. Identifiers: MedGen C0037772, HP:0001258.
Hereditary spastic paraplegia. Also called: Familial spastic paraparesis. Identifiers: Orphanet 685, MedGen C0037773, MONDO:0019064. Disease mechanism: loss of function.

Allele frequency attached by ClinVar (database versions not stated): 1000 Genomes Project 0.21146; 1000 Genomes Project 30x 0.21299; TOPMed 0.24020; gnomAD 0.24740 and 0.25100; ESP Exome Variant Server 0.25065; gnomAD exomes 0.25096 and 0.27104; ExAC 0.26299.
gnomAD v4.1: 418,387 of 1,559,036 alleles (27%); highest among the groups gnomAD compares: Non-Finnish European, 28%; 57,038 homozygotes.

Submissions (5):

Labcorp Genetics (formerly Invitae), Labcorp
Classification: Benign for Spastic paraplegia. Last evaluated: 2026-01-12. Review status: criteria provided, single submitter. Criteria: Invitae Variant Classification Sherloc (09022015). Collection method: clinical testing. Allele origin: germline.

Genome Diagnostics Laboratory, The Hospital for Sick Children
Classification: Benign for Hereditary spastic paraplegia. Last evaluated: 2022-01-20. Review status: criteria provided, single submitter. Criteria: ACMG Guidelines, 2015. Collection method: clinical testing. Allele origin: germline. Affected: yes.

Illumina Laboratory Services, Illumina
Classification: Benign for Hereditary spastic paraplegia 10. Last evaluated: 2018-01-13. Review status: criteria provided, single submitter. Criteria: ICSL Variant Classification Criteria 13 December 2019. Collection method: clinical testing. Allele origin: germline.
Comment: This variant was observed in the ICSL laboratory as part of a predisposition screen in an ostensibly healthy population. It had not been previously curated by ICSL or reported in the Human Gene Mutation Database (HGMD: prior to June 1st, 2018), and was therefore a candidate for classification through an automated scoring system. Utilizing variant allele frequency, disease prevalence and penetrance estimates, and inheritance mode, an automated score was calculated to assess if this variant is too frequent to cause the disease. Based on the score and internal cut-off values, a variant classified as benign is not then subjected to further curation. The score for this variant resulted in a classification of benign for this disease.

GeneDx
Classification: Benign. Last evaluated: 2015-12-22. Review status: criteria provided, single submitter. Criteria: GeneDx Variant Classification (06012015). Collection method: clinical testing. Allele origin: germline. Affected: yes.
Comment: This variant is considered likely benign or benign based on one or more of the following criteria: it is a conservative change, it occurs at a poorly conserved position in the protein, it is predicted to be benign by multiple in silico algorithms, and/or has population frequency not consistent with disease.

Breakthrough Genomics
Classification: Benign. Review status: criteria provided, single submitter. Criteria: ACMG Guidelines, 2015. Collection method: not provided. Allele origin: germline. Inheritance: Autosomal dominant inheritance. Affected: yes.